The following is an entry in ClinVar:

ClinVar aggregate classification (germline): Uncertain significance (1 of 4 stars; one submission).

gnomAD v4.1: 2 of 1,603,886 alleles (0.00012%); highest among the groups gnomAD compares: Non-Finnish European, 0.00017%; no homozygotes.

Submission:

Labcorp Genetics (formerly Invitae), Labcorp
Classification: Uncertain significance. Last evaluated: 2025-07-28. Review status: criteria provided, single submitter. Criteria: Invitae Variant Classification Sherloc (09022015). Collection method: clinical testing. Allele origin: germline.
Comment: This sequence change replaces leucine, which is neutral and non-polar, with valine, which is neutral and non-polar, at codon 382 of the MYLK3 protein (p.Leu382Val). This variant is not present in population databases (gnomAD no frequency). This variant has not been reported in the literature in individuals affected with MYLK3-related conditions. ClinVar contains an entry for this variant (Variation ID: 3645174). An algorithm developed to predict the effect of missense changes on protein structure and function (PolyPhen-2) suggests that this variant is likely to be tolerated. In summary, the available evidence is currently insufficient to determine the role of this variant in disease. Therefore, it has been classified as a Variant of Uncertain Significance.

NM_182493.3(MYLK3):c.1144C>G (p.Leu382Val)

Gene: MYLK3 (myosin light chain kinase 3; minus strand). Cytogenetic location: 16q11.2.
Variant type: single nucleotide variant.
Coding change: c.1144C>G on transcript NM_182493.3 (MANE Select); coding-DNA position 1144, C replaced by G.
Protein change: p.Leu382Val; replaces leucine 382 with valine.
Molecular consequence: missense variant.
Genome position (GRCh38, 1-based): chr16:46,732,526, G>C on the plus strand (C>G on the coding strand, the complement: MYLK3 is on the minus strand). VCF-style: chr16-46732526-G-C. GRCh37 (hg19) VCF-style: chr16-46766438-G-C.
Other names: c.121C>G, p.Leu41Val (NM_001308301.1); short protein forms L382V, L41V.
Identifiers: ClinVar variation 3645174 (VCV003645174.2).